The following is an entry in ClinVar:

NM_005676.5(RBM10):c.1685G>A (p.Ser562Asn)

Gene: RBM10 (RNA binding motif protein 10; plus strand). Cytogenetic location: Xp11.3.
Variant type: single nucleotide variant.
Coding change: c.1685G>A on transcript NM_005676.5 (MANE Select); coding-DNA position 1685, G replaced by A.
Protein change: p.Ser562Asn; replaces serine 562 with asparagine.
Molecular consequence: missense variant.
Genome position (GRCh38, 1-based): chrX:47,181,858, G>A. VCF-style: chrX-47181858-G-A. GRCh37 (hg19) VCF-style: chrX-47041257-G-A.
Other names: c.1454G>A, p.Ser485Asn (NM_001204466.2); c.1682G>A, p.Ser561Asn (NM_001204467.2); c.1880G>A, p.Ser627Asn (NM_001204468.2); c.1877G>A, p.Ser626Asn (NM_001440861.1); c.1649G>A, p.Ser550Asn (NM_001440862.1); c.1646G>A, p.Ser549Asn (NM_001440863.1); c.1451G>A, p.Ser484Asn (NM_152856.3); short protein forms S484N, S485N, S549N, S550N, S561N, S562N, S626N, S627N.
Identifiers: ClinVar variation 4688822 (VCV004688822.2).

ClinVar aggregate classification (germline): Uncertain significance. Review status: criteria provided, multiple submitters, no conflicts (2 of 4 stars). 2 submissions from 2 submitters: Uncertain significance (2). Last evaluated 2025-12-26.

gnomAD v4.1: 2 of 1,209,818 alleles (0.00017%); highest among the groups gnomAD compares: African/African-American, 0.0018%; no homozygotes.

Submissions (2):

Women's Health and Genetics/Laboratory Corporation of America, LabCorp
Classification: Uncertain significance. Last evaluated: 2025-12-26. Review status: criteria provided, single submitter. Criteria: LabCorp Variant Classification Summary - May 2015. Collection method: clinical testing. Allele origin: germline.
Comment: Variant summary: RBM10 c.1685G>A (p.Ser562Asn) results in a conservative amino acid change in the encoded protein sequence. Algorithms developed to predict the effect of missense changes on protein structure and function all suggest that this variant is likely to be tolerated. The frequency data for this variant in gnomAD is considered unreliable, as metrics indicate poor data quality at this position. To our knowledge, no occurrence of c.1685G>A in individuals affected with RBM10-related conditions and no experimental evidence demonstrating its impact on protein function have been reported. No submitters have cited clinical-significance assessments for this variant to ClinVar. Based on the evidence outlined above, the variant was classified as uncertain significance.

Blueprint Genetics
Classification: Uncertain significance. Last evaluated: 2024-10-30. Review status: criteria provided, single submitter. Criteria: ACMG Guidelines, 2015. Collection method: clinical testing. Allele origin: germline.